The following is an entry in ClinVar:

NM_004187.5(KDM5C):c.2319G>A (p.Trp773Ter)

Gene: KDM5C (lysine demethylase 5C; minus strand). Cytogenetic location: Xp11.22.
Variant type: single nucleotide variant.
Coding change: c.2319G>A on transcript NM_004187.5 (MANE Select); coding-DNA position 2319, G replaced by A.
Protein change: p.Trp773Ter; replaces tryptophan 773 with a stop codon.
Molecular consequence: nonsense. On other transcripts: non-coding transcript variant (3).
Genome position (GRCh38, 1-based): chrX:53,198,813, C>T on the plus strand (G>A on the coding strand, the complement: KDM5C is on the minus strand). VCF-style: chrX-53198813-C-T. GRCh37 (hg19) VCF-style: chrX-53227995-C-T.
Other names: c.2118G>A, p.Trp706Ter (NM_001146702.2); c.2316G>A, p.Trp772Ter (NM_001282622.3, NM_001353979.2, NM_001353982.2); c.2319G>A, p.Trp773Ter (NM_001353978.3, NM_001353981.2, NM_001353984.2); short protein forms W773*, W772*, W706*.
Identifiers: ClinVar variation 426496 (VCV000426496.2), dbSNP rs1085307655, ClinGen allele CA413118876.

ClinVar aggregate classification (germline): Pathogenic (1 of 4 stars; one submission).

Submission:

GeneDx
Classification: Pathogenic. Last evaluated: 2017-04-13. Review status: criteria provided, single submitter. Criteria: GeneDx Variant Classification (06012015). Collection method: clinical testing. Allele origin: germline. Affected: yes.
Comment: The W773X variant in the KDM5C gene has not been reported previously as a pathogenic variant nor as a benign variant, to our knowledge. This variant is predicted to cause loss of normal protein function either through protein truncation or nonsense-mediated mRNA decay. The W773X variant is not observed in large population cohorts (Lek et al., 2016; 1000 Genomes Consortium et al., 2015; Exome Variant Server). We interpret W773X as a pathogenic variant.